The following is an entry in ClinVar:

ClinVar aggregate classification (germline): Likely pathogenic. Review status: criteria provided, multiple submitters, no conflicts (2 of 4 stars). 3 submissions from 3 submitters: Likely pathogenic (3). Last evaluated 2024-06-01.

Conditions:
Peroxisome biogenesis disorder. Identifiers: Orphanet 79189, MedGen C1832200, MONDO:0019234. Disease mechanism: loss of function.
PEX6-related disorder. Also called: PEX6-related condition; PEX6-related disorders.
Heimler syndrome 2 (HMLR2). Also called: PEROXISOME BIOGENESIS DISORDER 4C. Identifiers: Orphanet 3220, MedGen C4225267, OMIM 616617, MONDO:0014709.

Allele frequency attached by ClinVar (database versions not stated): gnomAD exomes below 0.00001.
gnomAD v4.1: 1 of 1,612,030 alleles (0.000062%); highest among the groups gnomAD compares: Non-Finnish European, 0.000085%; no homozygotes.

Submissions (3):

Labcorp Genetics (formerly Invitae), Labcorp
Classification: Likely pathogenic for Peroxisome biogenesis disorder. Last evaluated: 2024-06-01. Review status: criteria provided, single submitter. Criteria: Invitae Variant Classification Sherloc (09022015). Collection method: clinical testing. Allele origin: germline.
Comment: This sequence change affects an acceptor splice site in intron 12 of the PEX6 gene. It is expected to disrupt RNA splicing. Variants that disrupt the donor or acceptor splice site typically lead to a loss of protein function (PMID: 16199547), and loss-of-function variants in PEX6 are known to be pathogenic (PMID: 10408779, 21031596, 31831025). This variant is not present in population databases (gnomAD no frequency). This variant has not been reported in the literature in individuals affected with PEX6-related conditions. ClinVar contains an entry for this variant (Variation ID: 945188). Algorithms developed to predict the effect of sequence changes on RNA splicing suggest that this variant may disrupt the consensus splice site. In summary, the currently available evidence indicates that the variant is pathogenic, but additional data are needed to prove that conclusively. Therefore, this variant has been classified as Likely Pathogenic.

Baylor Genetics
Classification: Likely pathogenic for Heimler syndrome 2. Last evaluated: 2022-07-19. Review status: criteria provided, single submitter. Criteria: ACMG Guidelines, 2015. Collection method: clinical testing. Allele origin: unknown.

Blueprint Genetics
Classification: Likely pathogenic for PEX6-related disorders. Last evaluated: 2022-02-23. Review status: criteria provided, single submitter. Criteria: ACMG Guidelines, 2015. Collection method: clinical testing. Allele origin: germline. Affected: yes. Observed: 2 variant alleles.

Literature cited by the submitters: PubMed 16199547 (cited by Labcorp Genetics (formerly Invitae), Labcorp); PubMed 10408779 (cited by Labcorp Genetics (formerly Invitae), Labcorp); PubMed 21031596 (cited by Labcorp Genetics (formerly Invitae), Labcorp); PubMed 31831025 (cited by Labcorp Genetics (formerly Invitae), Labcorp).

NM_000287.4(PEX6):c.2363-2A>C

Gene: PEX6 (peroxisomal biogenesis factor 6; minus strand). Cytogenetic location: 6p21.1.
Variant type: single nucleotide variant.
Coding change: c.2363-2A>C on transcript NM_000287.4 (MANE Select); the canonical splice acceptor site of the intron before coding-DNA position 2363, A replaced by C.
Molecular consequence: splice acceptor variant.
Genome position (GRCh38, 1-based): chr6:42,965,791, T>G on the plus strand (A>C on the coding strand, the complement: PEX6 is on the minus strand). VCF-style: chr6-42965791-T-G. GRCh37 (hg19) VCF-style: chr6-42933529-T-G.
Other names: c.2099-2A>C (NM_001316313.2).
Identifiers: ClinVar variation 945188 (VCV000945188.10), dbSNP rs1769772582, ClinGen allele CA364151756.